The following is an entry in ClinVar:

ClinVar aggregate classification (germline): Uncertain significance (0 of 4 stars; one submission).

Conditions:
PLXNA3-related disorder. Also called: PLXNA3-related condition.

Submission:

PreventionGenetics, part of Exact Sciences
Classification: Uncertain significance for PLXNA3-related condition. Last evaluated: 2024-09-26. Review status: no assertion criteria provided. Collection method: clinical testing. Allele origin: germline.
Comment: The PLXNA3 c.2039C>T variant is predicted to result in the amino acid substitution p.Pro680Leu. To our knowledge, this variant has not been reported in the literature. This variant is reported in 0.0014% of alleles in individuals of European (Non-Finnish) descent in gnomAD. At this time, the clinical significance of this variant is uncertain due to the absence of conclusive functional and genetic evidence.

NM_017514.5(PLXNA3):c.2039C>T (p.Pro680Leu)

Gene: PLXNA3 (plexin A3; plus strand). Cytogenetic location: Xq28.
Variant type: single nucleotide variant.
Coding change: c.2039C>T on transcript NM_017514.5 (MANE Select); coding-DNA position 2039, C replaced by T.
Protein change: p.Pro680Leu; replaces proline 680 with leucine.
Molecular consequence: missense variant.
Genome position (GRCh38, 1-based): chrX:154,464,864, C>T. VCF-style: chrX-154464864-C-T. GRCh37 (hg19) VCF-style: chrX-153693207-C-T.
Other names: short protein forms P680L.
Identifiers: ClinVar variation 3344295 (VCV003344295.1).